The following is an entry in ClinVar:

NM_004370.6(COL12A1):c.8022C>G (p.Ile2674Met)

Gene: COL12A1 (collagen type XII alpha 1 chain; minus strand). Cytogenetic location: 6q13.
Variant type: single nucleotide variant.
Coding change: c.8022C>G on transcript NM_004370.6 (MANE Select); coding-DNA position 8022, C replaced by G.
Protein change: p.Ile2674Met; replaces isoleucine 2674 with methionine.
Molecular consequence: missense variant.
Genome position (GRCh38, 1-based): chr6:75,109,096, G>C on the plus strand (C>G on the coding strand, the complement: COL12A1 is on the minus strand). VCF-style: chr6-75109096-G-C. GRCh37 (hg19) VCF-style: chr6-75818812-G-C.
Other names: c.4530C>G, p.Ile1510Met (NM_080645.3); c.8022C>G (NM_004370.5); short protein forms I1510M, I2674M.
Identifiers: ClinVar variation 1432303 (VCV001432303.26), dbSNP rs536679905, ClinGen allele CA141008604.
Genomic context (GRCh38, chr6:75,109,096, plus strand): 5'-CCCTTTAAGGAGTTTTCCAAGAATTTCATAACCATCAGTTGTTATATTTCCAGCTTCCTT[G>C]ATGTCTTTTTCTATAATTTCATAGCAGTCAATGTAAATCTTAACACTTTTTGAGGTCACT-3'
Protein context (NP_004361.3, residues 2664-2684): IDCYEIIEKD[Ile2674Met]KEAGNITTDG

ClinVar aggregate classification (germline): Uncertain significance. Review status: criteria provided, multiple submitters, no conflicts (2 of 4 stars). 4 submissions from 4 submitters: Uncertain significance (4). Last evaluated 2024-08-01.

Conditions:
Ullrich congenital muscular dystrophy 2 (UCMD2). Identifiers: Orphanet 75840, MedGen C4225314, MONDO:0014654, OMIM 616470.
Bethlem myopathy 2 (BTHLM2). Identifiers: Orphanet 536516, Orphanet 610, MedGen C4225313, MONDO:0034022, OMIM 616471.
Inborn genetic diseases. Identifiers: MedGen C0950123, MeSH D030342.

Allele frequency attached by ClinVar (database versions not stated): gnomAD exomes below 0.00001 and 0.00001.
gnomAD v4.1: 4 of 1,610,894 alleles (0.00025%); highest among the groups gnomAD compares: Non-Finnish European, 0.00034%; no homozygotes.

Submissions (4):

CeGaT Center for Human Genetics Tuebingen
Classification: Uncertain significance. Last evaluated: 2024-08-01. Review status: criteria provided, single submitter. Criteria: CeGaT Center For Human Genetics Tuebingen Variant Classification Criteria Version 2. Collection method: clinical testing. Allele origin: germline. Affected: yes. Observed: 1 variant allele.
Comment: COL12A1: PM2

Ambry Genetics
Classification: Uncertain significance for Inborn genetic diseases. Last evaluated: 2022-08-08. Review status: criteria provided, single submitter. Criteria: Ambry Variant Classification Scheme 2023. Collection method: clinical testing. Allele origin: germline.

Blueprint Genetics
Classification: Uncertain significance. Last evaluated: 2021-08-27. Review status: criteria provided, single submitter. Criteria: ACMG Guidelines, 2015. Collection method: clinical testing. Allele origin: germline.

Labcorp Genetics (formerly Invitae), Labcorp
Classification: Uncertain significance for Bethlem myopathy 2; Ullrich congenital muscular dystrophy 2. Last evaluated: 2021-04-05. Review status: criteria provided, single submitter. Criteria: Invitae Variant Classification Sherloc (09022015). Collection method: clinical testing. Allele origin: germline.
Comment: In summary, the available evidence is currently insufficient to determine the role of this variant in disease. Therefore, it has been classified as a Variant of Uncertain Significance. Algorithms developed to predict the effect of missense changes on protein structure and function are either unavailable or do not agree on the potential impact of this missense change (SIFT: "Deleterious"; PolyPhen-2: "Probably Damaging"; Align-GVGD: "Class C0"). This variant has not been reported in the literature in individuals with COL12A1-related conditions. This variant is not present in population databases (ExAC no frequency). This sequence change replaces isoleucine with methionine at codon 2674 of the COL12A1 protein (p.Ile2674Met). The isoleucine residue is highly conserved and there is a small physicochemical difference between isoleucine and methionine.